The following is an entry in ClinVar:

ClinVar aggregate classification (germline): Uncertain significance (1 of 4 stars; one submission).

Allele frequency attached by ClinVar (database versions not stated): gnomAD 0.00001; TOPMed 0.00001; ExAC 0.00002.
gnomAD v4.1: 12 of 1,614,018 alleles (0.00074%); highest among the groups gnomAD compares: East Asian, 0.0045%; no homozygotes.

Submission:

Labcorp Genetics (formerly Invitae), Labcorp
Classification: Uncertain significance. Last evaluated: 2022-04-12. Review status: criteria provided, single submitter. Criteria: Invitae Variant Classification Sherloc (09022015). Collection method: clinical testing. Allele origin: germline.
Comment: Algorithms developed to predict the effect of missense changes on protein structure and function are either unavailable or do not agree on the potential impact of this missense change (SIFT: "Deleterious"; PolyPhen-2: "Probably Damaging"; Align-GVGD: "Class C0"). This variant has not been reported in the literature in individuals affected with PDE6A-related conditions. This variant is present in population databases (rs779341814, gnomAD 0.003%). This sequence change replaces arginine, which is basic and polar, with histidine, which is basic and polar, at codon 406 of the PDE6A protein (p.Arg406His). In summary, the available evidence is currently insufficient to determine the role of this variant in disease. Therefore, it has been classified as a Variant of Uncertain Significance.

NM_000440.3(PDE6A):c.1217G>A (p.Arg406His)

Gene: PDE6A (phosphodiesterase 6A; minus strand). Cytogenetic location: 5q32.
Variant type: single nucleotide variant.
Coding change: c.1217G>A on transcript NM_000440.3 (MANE Select); coding-DNA position 1217, G replaced by A.
Protein change: p.Arg406His; replaces arginine 406 with histidine.
Molecular consequence: missense variant.
Genome position (GRCh38, 1-based): chr5:149,899,421, C>T on the plus strand (G>A on the coding strand, the complement: PDE6A is on the minus strand). VCF-style: chr5-149899421-C-T. GRCh37 (hg19) VCF-style: chr5-149278984-C-T.
Other names: c.974G>A, p.Arg325His (NM_001410788.1); short protein forms R325H, R406H.
Identifiers: ClinVar variation 1958351 (VCV001958351.4), dbSNP rs779341814, ClinGen allele CA3504757.